The following is an entry in ClinVar:

ClinVar aggregate classification (germline): Uncertain significance (1 of 4 stars; one submission).

gnomAD v4.1: 1 of 1,613,970 alleles (0.000062%); no homozygotes.

Submission:

GeneDx
Classification: Uncertain significance. Last evaluated: 2023-11-16. Review status: criteria provided, single submitter. Criteria: GeneDx Variant Classification Process June 2021. Collection method: clinical testing. Allele origin: germline. Affected: yes.
Comment: Not observed at significant frequency in large population cohorts (gnomAD); In silico analysis supports that this variant does not alter splicing; Has not been previously published as pathogenic or benign to our knowledge

NM_001008212.2(OPTN):c.696T>C (p.Thr232=)

Gene: OPTN (optineurin; plus strand). Cytogenetic location: 10p13.
Variant type: single nucleotide variant.
Coding change: c.696T>C on transcript NM_001008212.2 (MANE Select); coding-DNA position 696, T replaced by C.
Protein change: p.Thr232=; no amino-acid change (threonine 232 retained).
Molecular consequence: synonymous variant.
Genome position (GRCh38, 1-based): chr10:13,118,957, T>C. VCF-style: chr10-13118957-T-C. GRCh37 (hg19) VCF-style: chr10-13160957-T-C.
Other names: c.696T>C, p.Thr232= (NM_001008211.1, NM_001008213.1, NM_021980.4).
Identifiers: ClinVar variation 3364050 (VCV003364050.1).